The following is an entry in ClinVar:

ClinVar aggregate classification (germline): Uncertain significance (1 of 4 stars; one submission).

gnomAD v4.1: 49 of 1,612,632 alleles (0.003%); highest among the groups gnomAD compares: South Asian, 0.05%; no homozygotes.

Submission:

Labcorp Genetics (formerly Invitae), Labcorp
Classification: Uncertain significance. Last evaluated: 2025-02-17. Review status: criteria provided, single submitter. Criteria: Invitae Variant Classification Sherloc (09022015). Collection method: clinical testing. Allele origin: germline.
Comment: This sequence change replaces leucine, which is neutral and non-polar, with phenylalanine, which is neutral and non-polar, at codon 12 of the FAT2 protein (p.Leu12Phe). This variant is present in population databases (rs779038265, gnomAD 0.05%). This variant has not been reported in the literature in individuals affected with FAT2-related conditions. An algorithm developed to predict the effect of missense changes on protein structure and function (PolyPhen-2) suggests that this variant is likely to be tolerated. In summary, the available evidence is currently insufficient to determine the role of this variant in disease. Therefore, it has been classified as a Variant of Uncertain Significance.

NM_001447.3(FAT2):c.36G>T (p.Leu12Phe)

Gene: FAT2 (FAT atypical cadherin 2; minus strand). Cytogenetic location: 5q33.1.
Variant type: single nucleotide variant.
Coding change: c.36G>T on transcript NM_001447.3 (MANE Select); coding-DNA position 36, G replaced by T.
Protein change: p.Leu12Phe; replaces leucine 12 with phenylalanine.
Molecular consequence: missense variant.
Genome position (GRCh38, 1-based): chr5:151,568,896, C>A on the plus strand (G>T on the coding strand, the complement: FAT2 is on the minus strand). VCF-style: chr5-151568896-C-A. GRCh37 (hg19) VCF-style: chr5-150948457-C-A.
Other names: short protein forms L12F.
Identifiers: ClinVar variation 3708925 (VCV003708925.2).